The following is an entry in ClinVar:

ClinVar aggregate classification (germline): Pathogenic (1 of 4 stars; one submission).

Allele frequency attached by ClinVar (database versions not stated): gnomAD exomes below 0.00001.

Submission:

Labcorp Genetics (formerly Invitae), Labcorp
Classification: Pathogenic. Last evaluated: 2023-01-20. Review status: criteria provided, single submitter. Criteria: Invitae Variant Classification Sherloc (09022015). Collection method: clinical testing. Allele origin: germline.
Comment: ClinVar contains an entry for this variant (Variation ID: 939194). This sequence change creates a premature translational stop signal (p.Trp585Glyfs*128) in the GRM6 gene. It is expected to result in an absent or disrupted protein product. Loss-of-function variants in GRM6 are known to be pathogenic (PMID: 15781871, 16622103, 22008250). This variant is not present in population databases (gnomAD no frequency). This variant has not been reported in the literature in individuals affected with GRM6-related conditions. For these reasons, this variant has been classified as Pathogenic.

Literature cited by the submitters: PubMed 15781871; PubMed 16622103; PubMed 22008250.

NM_000843.4(GRM6):c.1753del (p.Trp585fs)

Genes: GRM6 (glutamate metabotropic receptor 6; minus strand), ZNF454 (zinc finger protein 454; plus strand). Cytogenetic location: 5q35.3.
Variant type: Deletion.
Coding change: c.1753del on transcript NM_000843.4 (MANE Select); coding-DNA position 1753, one base deleted (T; older notation c.1753delT).
Protein change: p.Trp585fs; shifts the reading frame from tryptophan 585.
Molecular consequence: frameshift variant.
Genome position (GRCh38, 1-based): chr5:178,986,501, A deleted on the plus strand (T on the coding strand, the reverse complement: GRM6 is on the minus strand). VCF-style (leftmost placement, unchanged base first): chr5-178986500-CA-C. GRCh37 (hg19) VCF-style: chr5-178413501-CA-C.
Other names: short protein forms W585fs.
Identifiers: ClinVar variation 939194 (VCV000939194.7), dbSNP rs1760555124, ClinGen allele CA1139659274.